The following is an entry in ClinVar:

ClinVar aggregate classification (germline): Uncertain significance (1 of 4 stars; one submission).

Conditions:
Hereditary spastic paraplegia 11. Also called: Spastic Paraplegia 11; Spastic paraplegia, mental retardation and thin corpus callosum; Nakamura Osame syndrome; Autosomal recessive hereditary spastic paraplegia, mental impairment, and thin corpus callosum; SPASTIC PARAPLEGIA, AUTOSOMAL RECESSIVE, COMPLICATED, WITH THIN CORPUS CALLOSUM; SPASTIC PARAPLEGIA, AUTOSOMAL RECESSIVE, WITH MENTAL IMPAIRMENT AND THIN CORPUS CALLOSUM. Identifiers: Orphanet 2822, MedGen C1858479, MONDO:0011445, OMIM 604360.

gnomAD v4.1: 1 of 1,613,958 alleles (0.000062%); highest among the groups gnomAD compares: Non-Finnish European, 0.000085%; no homozygotes.

Submission:

Labcorp Genetics (formerly Invitae), Labcorp
Classification: Uncertain significance for Hereditary spastic paraplegia 11. Last evaluated: 2022-03-23. Review status: criteria provided, single submitter. Criteria: Invitae Variant Classification Sherloc (09022015). Collection method: clinical testing. Allele origin: germline.
Comment: In summary, the available evidence is currently insufficient to determine the role of this variant in disease. Therefore, it has been classified as a Variant of Uncertain Significance. Algorithms developed to predict the effect of missense changes on protein structure and function output the following: SIFT: "Tolerated"; PolyPhen-2: "Benign"; Align-GVGD: "Class C0". The asparagine amino acid residue is found in multiple mammalian species, which suggests that this missense change does not adversely affect protein function. This variant has not been reported in the literature in individuals affected with SPG11-related conditions. This variant is not present in population databases (gnomAD no frequency). This sequence change replaces threonine, which is neutral and polar, with asparagine, which is neutral and polar, at codon 1662 of the SPG11 protein (p.Thr1662Asn).

NM_025137.4(SPG11):c.4985C>A (p.Thr1662Asn)

Gene: SPG11 (SPG11 vesicle trafficking associated, spatacsin; minus strand). Cytogenetic location: 15q21.1.
Variant type: single nucleotide variant.
Coding change: c.4985C>A on transcript NM_025137.4 (MANE Select); coding-DNA position 4985, C replaced by A.
Protein change: p.Thr1662Asn; replaces threonine 1662 with asparagine.
Molecular consequence: missense variant.
Genome position (GRCh38, 1-based): chr15:44,585,772, G>T on the plus strand (C>A on the coding strand, the complement: SPG11 is on the minus strand). VCF-style: chr15-44585772-G-T. GRCh37 (hg19) VCF-style: chr15-44877970-G-T.
Other names: c.4985C>A, p.Thr1662Asn (NM_001160227.2, NM_001411132.1); short protein forms T1662N.
Identifiers: ClinVar variation 2116064 (VCV002116064.4), dbSNP rs1158804050, ClinGen allele CA392223570.
Genomic context (GRCh38, chr15:44,585,772, plus strand): 5'-GTCTGCAGTCTTTCCAAAATAGATCTACATTCATGCTGAAGATTCTCAATGCTGTAGCTG[G>T]TAATAATTGTATGATTAATGGCTATGGATGTATCCTTCAAAATCTGGCAAAGGATGCAAA-3'
Protein context (NP_079413.3, residues 1652-1672): TSIAINHTII[Thr1662Asn]SYSIENLQHE